The following is an entry in ClinVar:

NM_000219.6(KCNE1):c.164G>C (p.Gly55Ala)

Gene: KCNE1 (potassium voltage-gated channel subfamily E regulatory subunit 1; minus strand). Cytogenetic location: 21q22.12.
Variant type: single nucleotide variant.
Coding change: c.164G>C on transcript NM_000219.6 (MANE Select); coding-DNA position 164, G replaced by C.
Protein change: p.Gly55Ala; replaces glycine 55 with alanine.
Molecular consequence: missense variant.
Genome position (GRCh38, 1-based): chr21:34,449,471, C>G on the plus strand (G>C on the coding strand, the complement: KCNE1 is on the minus strand). VCF-style: chr21-34449471-C-G. GRCh37 (hg19) VCF-style: chr21-35821769-C-G.
Other names: c.164G>C, p.Gly55Ala (NM_001127668.4, NM_001127669.4, NM_001127670.4 and 4 more transcripts); short protein forms G55A.
Identifiers: ClinVar variation 3374214 (VCV003374214.2).

Conditions:
Long QT syndrome 5 (LQT5). Identifiers: Orphanet 101016, Orphanet 768, MedGen C1867904, MONDO:0013372, OMIM 613695.

Submission:

Roden Lab, Vanderbilt University Medical Center
No classification provided (evidence only). Condition: Long QT syndrome 5. Review status: no classification provided. Collection method: in vitro. Allele origin: not applicable. Functional consequence: Effect on ion channel function.
ClinVar note: "not provided" was previously submitted as the classification for the variant. However, the classification appeared to be based only on an observation of functional data so it was converted to no classification on 2025-07-30.